The following is an entry in ClinVar:

ClinVar aggregate classification (germline): Uncertain significance (1 of 4 stars; one submission).

Conditions:
Dextro-looped transposition of the great arteries. Also called: Dextrotransposition of the great arteries. Identifiers: Orphanet 860, MedGen C3531771, MONDO:0019443, OMIM 608808, HP:0031348.

Submission:

Labcorp Genetics (formerly Invitae), Labcorp
Classification: Uncertain significance for Dextro-looped transposition of the great arteries. Last evaluated: 2023-12-04. Review status: criteria provided, single submitter. Criteria: Invitae Variant Classification Sherloc (09022015). Collection method: clinical testing. Allele origin: germline.
Comment: This sequence change replaces leucine, which is neutral and non-polar, with isoleucine, which is neutral and non-polar, at codon 1115 of the MED13L protein (p.Leu1115Ile). This variant is not present in population databases (gnomAD no frequency). This variant has not been reported in the literature in individuals affected with MED13L-related conditions. Advanced modeling of protein sequence and biophysical properties (such as structural, functional, and spatial information, amino acid conservation, physicochemical variation, residue mobility, and thermodynamic stability) performed at Invitae indicates that this missense variant is expected to disrupt MED13L protein function with a positive predictive value of 80%. In summary, the available evidence is currently insufficient to determine the role of this variant in disease. Therefore, it has been classified as a Variant of Uncertain Significance.

NM_015335.5(MED13L):c.3343C>A (p.Leu1115Ile)

Gene: MED13L (mediator complex subunit 13L; minus strand). Cytogenetic location: 12q24.21.
Variant type: single nucleotide variant.
Coding change: c.3343C>A on transcript NM_015335.5 (MANE Select); coding-DNA position 3343, C replaced by A.
Protein change: p.Leu1115Ile; replaces leucine 1115 with isoleucine.
Molecular consequence: missense variant.
Genome position (GRCh38, 1-based): chr12:115,991,611, G>T on the plus strand (C>A on the coding strand, the complement: MED13L is on the minus strand). VCF-style: chr12-115991611-G-T. GRCh37 (hg19) VCF-style: chr12-116429416-G-T.
Other names: short protein forms L1115I.
Identifiers: ClinVar variation 2700568 (VCV002700568.3), dbSNP rs1473984872, ClinGen allele CA386888090.
Genomic context (GRCh38, chr12:115,991,611, plus strand): 5'-CACAGATGCAACAGCTGTCAAAGTTTCTGTCTTTAAAGATATTCATCACGGAATCGGAGA[G>T]AATCAGGGTAACATAGAGGCTGTGGGCTTCGGGAATTGGCTGCATGGTGGCGGGCTCCAC-3'
Protein context (NP_056150.1, residues 1105-1125): EAHSLYVTLI[Leu1115Ile]SDSVMNIFKD